The following is an entry in ClinVar:

NM_001370259.2(MEN1):c.655-15_658del

Gene: MEN1 (menin 1; minus strand). Cytogenetic location: 11q13.1.
Variant type: Deletion.
Coding change: c.655-15_658del on transcript NM_001370259.2 (MANE Select); 15 bases into the intron before coding-DNA position 655 through coding-DNA position 658, 19 bases deleted (TCATCCCCCCCTAAGAGCT).
Molecular consequence: splice acceptor variant.
Genome position (GRCh38, 1-based): chr11:64,807,677-64,807,695, AGCTCTTAGGGGGGGATGA deleted on the plus strand (TCATCCCCCCCTAAGAGCT on the coding strand, the reverse complement: MEN1 is on the minus strand). VCF-style (leftmost placement, unchanged base first): chr11-64807676-CAGCTCTTAGGGGGGGATGA-C. GRCh37 (hg19) VCF-style: chr11-64575148-CAGCTCTTAGGGGGGGATGA-C.
Other names: c.655-15_658delTCATCCCCCCCTAAGAGCT (NM_130799.2); c.670-15_673del (NM_130804.3, NM_130803.3, NM_000244.4 and 3 more transcripts); c.655-15_658del (NM_130799.3, NM_001370260.2, NM_001370251.2 and 1 more transcripts); c.550-15_553del (NM_001370263.2, NM_001370262.2).
Identifiers: ClinVar variation 665137 (VCV000665137.7), dbSNP rs1592649598, ClinGen allele CA915948185.

ClinVar aggregate classification (germline): Likely pathogenic (1 of 4 stars; one submission).

Conditions:
Multiple endocrine neoplasia, type 1 (MEN1). Also called: MEA I; MEN I; WERMER SYNDROME; Endocrine adenomatosis multiple; MEN 1. Identifiers: Orphanet 652, MedGen C0025267, MeSH D018761, MONDO:0007540, OMIM 131100.

Submission:

Labcorp Genetics (formerly Invitae), Labcorp
Classification: Likely pathogenic for Multiple endocrine neoplasia, type 1. Last evaluated: 2018-10-24. Review status: criteria provided, single submitter. Criteria: Invitae Variant Classification Sherloc (09022015). Collection method: clinical testing. Allele origin: germline.
Comment: In summary, the currently available evidence indicates that the variant is pathogenic, but additional data are needed to prove that conclusively. Therefore, this variant has been classified as Likely Pathogenic. Loss-of-function variants in MEN1 are known to be pathogenic (PMID: 12112656, 17853334). Algorithms developed to predict the effect of sequence changes on RNA splicing suggest that this variant may disrupt the consensus splice site, but this prediction has not been confirmed by published transcriptional studies. This variant has not been reported in the literature in individuals with MEN1-related disease. This variant is not present in population databases (ExAC no frequency). This variant is a deletion of the genomic region encompassing part of exon 4 of the MEN1 gene. It is expected to disrupt RNA splicing and likely results in an absent or disrupted protein product.

Literature cited by the submitters: PubMed 12112656; PubMed 17853334.